The following is an entry in ClinVar:

NM_015192.4(PLCB1):c.2951A>G (p.Asp984Gly)

Gene: PLCB1 (phospholipase C beta 1; plus strand). Cytogenetic location: 20p12.3.
Variant type: single nucleotide variant.
Coding change: c.2951A>G on transcript NM_015192.4 (MANE Select); coding-DNA position 2951, A replaced by G.
Protein change: p.Asp984Gly; replaces aspartic acid 984 with glycine.
Molecular consequence: missense variant.
Genome position (GRCh38, 1-based): chr20:8,774,559, A>G. VCF-style: chr20-8774559-A-G. GRCh37 (hg19) VCF-style: chr20-8755206-A-G.
Other names: c.2951A>G, p.Asp984Gly (NM_182734.3); short protein forms D984G.
Identifiers: ClinVar variation 2110448 (VCV002110448.4), dbSNP rs2515347101, ClinGen allele CA408209047.

ClinVar aggregate classification (germline): Uncertain significance (1 of 4 stars; one submission).

Conditions:
Developmental and epileptic encephalopathy, 12 (DEE12). Identifiers: MedGen C3150988, MONDO:0013389, OMIM 613722.

Submission:

Labcorp Genetics (formerly Invitae), Labcorp
Classification: Uncertain significance for Developmental and epileptic encephalopathy, 12. Last evaluated: 2022-03-12. Review status: criteria provided, single submitter. Criteria: Invitae Variant Classification Sherloc (09022015). Collection method: clinical testing. Allele origin: germline.
Comment: This variant has not been reported in the literature in individuals affected with PLCB1-related conditions. In summary, the available evidence is currently insufficient to determine the role of this variant in disease. Therefore, it has been classified as a Variant of Uncertain Significance. Algorithms developed to predict the effect of missense changes on protein structure and function are either unavailable or do not agree on the potential impact of this missense change (SIFT: "Deleterious"; PolyPhen-2: "Benign"; Align-GVGD: "Class C0"). This variant is not present in population databases (gnomAD no frequency). This sequence change replaces aspartic acid, which is acidic and polar, with glycine, which is neutral and non-polar, at codon 984 of the PLCB1 protein (p.Asp984Gly).